The following is an entry in ClinVar:

NM_002775.5(HTRA1):c.957C>T (p.Thr319=)

Gene: HTRA1 (HtrA serine peptidase 1; plus strand). Cytogenetic location: 10q26.13.
Variant type: single nucleotide variant.
Coding change: c.957C>T on transcript NM_002775.5 (MANE Select); coding-DNA position 957, C replaced by T.
Protein change: p.Thr319=; no amino-acid change (threonine 319 retained).
Molecular consequence: synonymous variant.
Genome position (GRCh38, 1-based): chr10:122,506,870, C>T. VCF-style: chr10-122506870-C-T. GRCh37 (hg19) VCF-style: chr10-124266386-C-T.
Identifiers: ClinVar variation 424967 (VCV000424967.51), dbSNP rs373287445, ClinGen allele CA5725974.

ClinVar aggregate classification (germline): Conflicting classifications of pathogenicity. Review status: criteria provided, conflicting classifications (1 of 4 stars). 4 submissions from 4 submitters: Uncertain significance (1); Likely benign (2). 1 of the submissions does not count toward it. Last evaluated 2024-11-04.

Conditions:
HTRA1-related disorder. Also called: HTRA1-related condition.

Allele frequency attached by ClinVar (database versions not stated): gnomAD 0.00003; ESP Exome Variant Server 0.00008.
gnomAD v4.1: 74 of 1,613,370 alleles (0.0046%); highest among the groups gnomAD compares: Middle Eastern, 0.016%; no homozygotes.

Submissions (4):

Blueprint Genetics
Classification: Likely benign. Last evaluated: 2024-11-04. Review status: criteria provided, single submitter. Criteria: ACMG Guidelines, 2015. Collection method: clinical testing. Allele origin: germline.

Labcorp Genetics (formerly Invitae), Labcorp
Classification: Likely benign. Last evaluated: 2022-01-11. Review status: criteria provided, single submitter. Criteria: Invitae Variant Classification Sherloc (09022015). Collection method: clinical testing. Allele origin: germline.

CeGaT Center for Human Genetics Tuebingen
Classification: Uncertain significance. Last evaluated: 2016-11-01. Review status: criteria provided, single submitter. Criteria: CeGaT Center For Human Genetics Tuebingen Variant Classification Criteria Version 2. Collection method: clinical testing. Allele origin: germline. Affected: yes. Observed: 1 variant allele.

PreventionGenetics, part of Exact Sciences
Classification: Likely benign for HTRA1-related condition. Last evaluated: 2024-07-03. Review status: no assertion criteria provided. Collection method: clinical testing. Allele origin: germline. Not counted in ClinVar's aggregate classification.
Comment: This variant is classified as likely benign based on ACMG/AMP sequence variant interpretation guidelines (Richards et al. 2015 PMID: 25741868, with internal and published modifications).